The following is an entry in ClinVar:

ClinVar aggregate classification (germline): Uncertain significance (1 of 4 stars; one submission).

Conditions:
Neutral lipid storage myopathy (NLSDM). Also called: NEUTRAL LIPID STORAGE DISEASE WITHOUT ICHTHYOSIS. Identifiers: Orphanet 98908, MedGen C1853136, MONDO:0012545, OMIM 610717.

Submission:

Labcorp Genetics (formerly Invitae), Labcorp
Classification: Uncertain significance for Neutral lipid storage myopathy. Last evaluated: 2019-04-08. Review status: criteria provided, single submitter. Criteria: Invitae Variant Classification Sherloc (09022015). Collection method: clinical testing. Allele origin: germline.
Comment: In summary, the available evidence is currently insufficient to determine the role of this variant in disease. Therefore, it has been classified as a Variant of Uncertain Significance. This sequence change replaces alanine with valine at codon 311 of the PNPLA2 protein (p.Ala311Val). The alanine residue is highly conserved and there is a small physicochemical difference between alanine and valine. This variant is not present in population databases (ExAC no frequency). This variant has not been reported in the literature in individuals with PNPLA2-related conditions. Algorithms developed to predict the effect of missense changes on protein structure and function are either unavailable or do not agree on the potential impact of this missense change (SIFT: "Deleterious"; PolyPhen-2: "Probably Damaging"; Align-GVGD: "Class C0"). Algorithms developed to predict the effect of sequence changes on RNA splicing suggest that this variant may create or strengthen a splice site, but this prediction has not been confirmed by published transcriptional studies.

NM_020376.4(PNPLA2):c.932C>T (p.Ala311Val)

Gene: PNPLA2 (patatin like domain 2, triacylglycerol lipase; plus strand). Cytogenetic location: 11p15.5.
Variant type: single nucleotide variant.
Coding change: c.932C>T on transcript NM_020376.4 (MANE Select); coding-DNA position 932, C replaced by T.
Protein change: p.Ala311Val; replaces alanine 311 with valine.
Molecular consequence: missense variant.
Genome position (GRCh38, 1-based): chr11:824,010, C>T. VCF-style: chr11-824010-C-T. GRCh37 (hg19) VCF-style: chr11-824010-C-T.
Other names: short protein forms A311V.
Identifiers: ClinVar variation 837325 (VCV000837325.9), dbSNP rs780760382, ClinGen allele CA378982162.